The following is an entry in ClinVar:

NM_016292.3(TRAP1):c.1637A>G (p.Lys546Arg)

Genes: DNASE1 (deoxyribonuclease 1; plus strand), TRAP1 (TNF receptor associated protein 1; minus strand). Cytogenetic location: 16p13.3.
Variant type: single nucleotide variant.
Coding change: c.1637A>G on transcript NM_016292.3 (MANE Select); coding-DNA position 1637, A replaced by G.
Protein change: p.Lys546Arg; replaces lysine 546 with arginine.
Molecular consequence: missense variant. On other transcripts: 3 prime UTR variant (1).
Genome position (GRCh38, 1-based): chr16:3,663,495, T>C on the plus strand (A>G on the coding strand, the complement: TRAP1 is on the minus strand). VCF-style: chr16-3663495-T-C. GRCh37 (hg19) VCF-style: chr16-3713496-T-C.
Other names: c.1478A>G, p.Lys493Arg (NM_001272049.2); c.*871T>C (NM_001387140.1); short protein forms K493R, K546R.
Identifiers: ClinVar variation 4740646 (VCV004740646.1).

ClinVar aggregate classification (germline): Uncertain significance (1 of 4 stars; one submission).

gnomAD v4.1: 13 of 1,613,874 alleles (0.00081%); highest among the groups gnomAD compares: African/African-American, 0.0027%; no homozygotes.

Submission:

Labcorp Genetics (formerly Invitae), Labcorp
Classification: Uncertain significance. Last evaluated: 2025-08-18. Review status: criteria provided, single submitter. Criteria: Invitae Variant Classification Sherloc (09022015). Collection method: clinical testing. Allele origin: germline.
Comment: This sequence change replaces lysine, which is basic and polar, with arginine, which is basic and polar, at codon 546 of the TRAP1 protein (p.Lys546Arg). This variant is present in population databases (rs149368223, gnomAD 0.01%). This variant has not been reported in the literature in individuals affected with TRAP1-related conditions. Invitae Evidence Modeling of protein sequence and biophysical properties (such as structural, functional, and spatial information, amino acid conservation, physicochemical variation, residue mobility, and thermodynamic stability) indicates that this missense variant is not expected to disrupt TRAP1 protein function with a negative predictive value of 80%. In summary, the available evidence is currently insufficient to determine the role of this variant in disease. Therefore, it has been classified as a Variant of Uncertain Significance.